The following is an entry in ClinVar:

NM_001018115.3(FANCD2):c.2269+3A>G

Genes: FANCD2 (FA complementation group D2; plus strand), LOC107303338 (3p25 FANCD2 Alu-mediated recombination region; plus strand). Cytogenetic location: 3p25.3.
Variant type: single nucleotide variant.
Coding change: c.2269+3A>G on transcript NM_001018115.3 (MANE Select); 3 bases into the intron after coding-DNA position 2269, A replaced by G.
Molecular consequence: intron variant.
Genome position (GRCh38, 1-based): chr3:10,065,497, A>G. VCF-style: chr3-10065497-A-G. GRCh37 (hg19) VCF-style: chr3-10107181-A-G.
Other names: c.2269+3A>G (NM_001319984.2, NM_033084.6, NM_001374254.1); c.2158+3A>G (NM_001374253.1).
Identifiers: ClinVar variation 847267 (VCV000847267.6), dbSNP rs1246708998, ClinGen allele CA540874158.
Genomic context (GRCh38, chr3:10,065,497, plus strand): 5'-AGACTTTGTGTGGAGAGACAGCATAACGGAAACTTGGAGGAGATTGATGGTCTACTAGGT[A>G]TGGGATGAAGTCATCAGATCCTTTCTTCTTTATACTCTTCCTTTGGTAAACTTAGGGAAA-3'

ClinVar aggregate classification (germline): Uncertain significance (1 of 4 stars; one submission).

Conditions:
Fanconi anemia (FA). Also called: Fanconi's anemia. Identifiers: Orphanet 84, MedGen C0015625, MeSH D005199, MONDO:0019391.

Allele frequency attached by ClinVar (database versions not stated): gnomAD 0.00001; TOPMed below 0.00001; gnomAD exomes below 0.00001.
gnomAD v4.1: 6 of 1,581,036 alleles (0.00038%); highest among the groups gnomAD compares: Non-Finnish European, 0.00043%; no homozygotes.

Submission:

Labcorp Genetics (formerly Invitae), Labcorp
Classification: Uncertain significance for Fanconi anemia. Last evaluated: 2025-01-14. Review status: criteria provided, single submitter. Criteria: Invitae Variant Classification Sherloc (09022015). Collection method: clinical testing. Allele origin: germline.
Comment: This sequence change falls in intron 24 of the FANCD2 gene. It does not directly change the encoded amino acid sequence of the FANCD2 protein. It affects a nucleotide within the consensus splice site. This variant is present in population databases (no rsID available, gnomAD 0.0009%). This variant has not been reported in the literature in individuals affected with FANCD2-related conditions. ClinVar contains an entry for this variant (Variation ID: 847267). Variants that disrupt the consensus splice site are a relatively common cause of aberrant splicing (PMID: 17576681, 9536098). Algorithms developed to predict the effect of sequence changes on RNA splicing suggest that this variant may disrupt the consensus splice site. In summary, the available evidence is currently insufficient to determine the role of this variant in disease. Therefore, it has been classified as a Variant of Uncertain Significance.

Literature cited by the submitters: PubMed 17576681; PubMed 9536098.